The following is an entry in ClinVar:

ClinVar aggregate classification (germline): Uncertain significance (1 of 4 stars; one submission).

Conditions:
Cardiovascular phenotype. Identifiers: MedGen CN230736.

Submission:

Ambry Genetics
Classification: Uncertain significance for Cardiovascular phenotype. Last evaluated: 2026-07-07. Review status: criteria provided, single submitter. Criteria: Ambry Variant Classification Scheme 2023. Collection method: clinical testing. Allele origin: germline.
Comment: The p.E2615D variant (also known as c.7845A>T), located in coding exon 24 of the DSP gene, results from an A to T substitution at nucleotide position 7845. The glutamic acid at codon 2615 is replaced by aspartic acid, an amino acid with highly similar properties. This amino acid position is conserved. In addition, this alteration is predicted to be tolerated by in silico analysis. Based on the available evidence, the clinical significance of this variant remains unclear.

NM_004415.4(DSP):c.7845A>T (p.Glu2615Asp)

Gene: DSP (desmoplakin; plus strand). Cytogenetic location: 6p24.3.
Variant type: single nucleotide variant.
Coding change: c.7845A>T on transcript NM_004415.4 (MANE Select); coding-DNA position 7845, A replaced by T.
Protein change: p.Glu2615Asp; replaces glutamic acid 2615 with aspartic acid.
Molecular consequence: missense variant.
Genome position (GRCh38, 1-based): chr6:7,585,107, A>T. VCF-style: chr6-7585107-A-T. GRCh37 (hg19) VCF-style: chr6-7585340-A-T.
Other names: c.6048A>T, p.Glu2016Asp (NM_001008844.3); c.6516A>T, p.Glu2172Asp (NM_001319034.2); short protein forms E2172D, E2615D, E2016D.
Identifiers: ClinVar variation 5035645 (VCV005035645.1).